The following is an entry in ClinVar:

NM_005431.2(XRCC2):c.824G>A (p.Ser275Asn)

Gene: XRCC2 (X-ray repair cross complementing 2; minus strand). Cytogenetic location: 7q36.1.
Variant type: single nucleotide variant.
Coding change: c.824G>A on transcript NM_005431.2 (MANE Select); coding-DNA position 824, G replaced by A.
Protein change: p.Ser275Asn; replaces serine 275 with asparagine.
Molecular consequence: missense variant.
Genome position (GRCh38, 1-based): chr7:152,648,661, C>T on the plus strand (G>A on the coding strand, the complement: XRCC2 is on the minus strand). VCF-style: chr7-152648661-C-T. GRCh37 (hg19) VCF-style: chr7-152345746-C-T.
Other names: short protein forms S275N.
Identifiers: ClinVar variation 4202869 (VCV004202869.1).

ClinVar aggregate classification (germline): Uncertain significance (1 of 4 stars; one submission).

Conditions:
Hereditary cancer-predisposing syndrome. Also called: Neoplastic Syndromes, Hereditary; Tumor predisposition; Hereditary Cancer Syndrome; Hereditary neoplastic syndrome. Identifiers: Orphanet 140162, MedGen C0027672, MeSH D009386, MONDO:0015356.

Submission:

Ambry Genetics
Classification: Uncertain significance for Hereditary cancer-predisposing syndrome. Last evaluated: 2025-08-21. Review status: criteria provided, single submitter. Criteria: Ambry Variant Classification Scheme 2023. Collection method: clinical testing. Allele origin: germline.
Comment: The p.S275N variant (also known as c.824G>A), located in coding exon 3 of the XRCC2 gene, results from a G to A substitution at nucleotide position 824. The serine at codon 275 is replaced by asparagine, an amino acid with highly similar properties. This amino acid position is conserved. In addition, this alteration is predicted to be tolerated by in silico analysis. Based on the available evidence, the clinical significance of this variant remains unclear.